The following is an entry in ClinVar:

NM_000057.4(BLM):c.1336A>G (p.Thr446Ala)

Gene: BLM (BLM RecQ like helicase; plus strand). Cytogenetic location: 15q26.1.
Variant type: single nucleotide variant.
Coding change: c.1336A>G on transcript NM_000057.4 (MANE Select); coding-DNA position 1336, A replaced by G.
Protein change: p.Thr446Ala; replaces threonine 446 with alanine.
Molecular consequence: missense variant.
Genome position (GRCh38, 1-based): chr15:90,760,709, A>G. VCF-style: chr15-90760709-A-G. GRCh37 (hg19) VCF-style: chr15-91303939-A-G.
Other names: c.1336A>G, p.Thr446Ala (NM_001287246.2, NM_001287247.2); c.211A>G, p.Thr71Ala (NM_001287248.2); short protein forms T446A, T71A.
Identifiers: ClinVar variation 2121254 (VCV002121254.2), dbSNP rs1567040932, ClinGen allele CA393842840.

ClinVar aggregate classification (germline): Uncertain significance (1 of 4 stars; one submission).

Conditions:
Bloom syndrome (BLM). Also called: Bloom-Torre-Machacek syndrome. Identifiers: Orphanet 125, MedGen C0005859, MONDO:0008876, OMIM 210900.

Submission:

Labcorp Genetics (formerly Invitae), Labcorp
Classification: Uncertain significance for Bloom syndrome. Last evaluated: 2022-05-21. Review status: criteria provided, single submitter. Criteria: Invitae Variant Classification Sherloc (09022015). Collection method: clinical testing. Allele origin: germline.
Comment: In summary, the available evidence is currently insufficient to determine the role of this variant in disease. Therefore, it has been classified as a Variant of Uncertain Significance. Algorithms developed to predict the effect of missense changes on protein structure and function output the following: SIFT: "Tolerated"; PolyPhen-2: "Benign"; Align-GVGD: "Class C0". The alanine amino acid residue is found in multiple mammalian species, which suggests that this missense change does not adversely affect protein function. This variant has not been reported in the literature in individuals affected with BLM-related conditions. This variant is not present in population databases (gnomAD no frequency). This sequence change replaces threonine, which is neutral and polar, with alanine, which is neutral and non-polar, at codon 446 of the BLM protein (p.Thr446Ala).